The following is an entry in ClinVar:

NM_014727.3(KMT2B):c.6767C>T (p.Pro2256Leu)

Gene: KMT2B (lysine methyltransferase 2B; plus strand). Cytogenetic location: 19q13.12.
Variant type: single nucleotide variant.
Coding change: c.6767C>T on transcript NM_014727.3 (MANE Select); coding-DNA position 6767, C replaced by T.
Protein change: p.Pro2256Leu; replaces proline 2256 with leucine.
Molecular consequence: missense variant.
Genome position (GRCh38, 1-based): chr19:35,733,316, C>T. VCF-style: chr19-35733316-C-T. GRCh37 (hg19) VCF-style: chr19-36224217-C-T.
Other names: short protein forms P2256L.
Identifiers: ClinVar variation 1697165 (VCV001697165.2), dbSNP rs767078867, ClinGen allele CA9385757.

ClinVar aggregate classification (germline): Uncertain significance (1 of 4 stars; one submission).

Allele frequency attached by ClinVar (database versions not stated): gnomAD 0.00001; gnomAD exomes 0.00001; TOPMed 0.00001; ExAC 0.00008.
gnomAD v4.1: 9 of 1,480,462 alleles (0.00061%); highest among the groups gnomAD compares: Non-Finnish European, 0.00083%; no homozygotes.

Submission:

GeneDx
Classification: Uncertain significance. Last evaluated: 2022-01-12. Review status: criteria provided, single submitter. Criteria: GeneDx Variant Classification Process June 2021. Collection method: clinical testing. Allele origin: germline. Affected: yes.
Comment: Not observed at significant frequency in large population cohorts (gnomAD); In silico analysis supports that this missense variant does not alter protein structure/function; Has not been previously published as pathogenic or benign to our knowledge